The following is an entry in ClinVar:

NM_004304.5(ALK):c.872_873delinsAA (p.Arg291Gln)

Gene: ALK (ALK receptor tyrosine kinase; minus strand). Cytogenetic location: 2p23.2.
Variant type: Indel.
Coding change: c.872_873delinsAA on transcript NM_004304.5 (MANE Select); coding-DNA positions 872 to 873, GC replaced by AA.
Protein change: p.Arg291Gln; replaces arginine 291 with glutamine.
Molecular consequence: missense variant.
Genome position (GRCh38, 1-based): chr2:29,694,929-29,694,930, GC replaced by TT on the plus strand (GC replaced by AA on the coding strand, the reverse complement: ALK is on the minus strand). VCF-style: chr2-29694929-GC-TT. GRCh37 (hg19) VCF-style: chr2-29917795-GC-TT.
Other names: short protein forms R291Q.
Identifiers: ClinVar variation 3855705 (VCV003855705.1).

ClinVar aggregate classification (germline): Uncertain significance (1 of 4 stars; one submission).

Conditions:
Hereditary cancer-predisposing syndrome. Also called: Hereditary neoplastic syndrome; Neoplastic Syndromes, Hereditary; Tumor predisposition; Hereditary Cancer Syndrome. Identifiers: Orphanet 140162, MedGen C0027672, MeSH D009386, MONDO:0015356.

Submission:

Ambry Genetics
Classification: Uncertain significance for Hereditary cancer-predisposing syndrome. Last evaluated: 2025-03-02. Review status: criteria provided, single submitter. Criteria: Ambry Variant Classification Scheme 2023. Collection method: clinical testing. Allele origin: germline.
Comment: The c.872_873delGCinsAA variant (also known as p.R291Q), located in coding exon 3 of the ALK gene, results from an in-frame deletion of GC and insertion of AA at nucleotide positions 872 to 873. This results in the substitution of the arginine residue for a glutamine residue at codon 291, an amino acid with highly similar properties. This amino acid position is highly conserved in available vertebrate species. Based on the available evidence, the clinical significance of this variant remains unclear.